The following is an entry in ClinVar:

ClinVar aggregate classification (germline): Uncertain significance. Review status: criteria provided, multiple submitters, no conflicts (2 of 4 stars). 3 submissions from 3 submitters: Uncertain significance (3). Last evaluated 2024-03-17.

Conditions:
Hereditary cancer-predisposing syndrome. Also called: Hereditary Cancer Syndrome; Neoplastic Syndromes, Hereditary; Hereditary neoplastic syndrome; Tumor predisposition. Identifiers: Orphanet 140162, MedGen C0027672, MeSH D009386, MONDO:0015356.

Allele frequency attached by ClinVar (database versions not stated): gnomAD exomes below 0.00001; ExAC 0.00001.
gnomAD v4.1: 3 of 1,614,096 alleles (0.00019%); highest among the groups gnomAD compares: South Asian, 0.0011%; no homozygotes.

Submissions (3):

Ambry Genetics
Classification: Uncertain significance for Hereditary cancer-predisposing syndrome. Last evaluated: 2024-03-17. Review status: criteria provided, single submitter. Criteria: Ambry Variant Classification Scheme 2023. Collection method: clinical testing. Allele origin: germline.
Comment: The p.N354S variant (also known as c.1061A>G), located in coding exon 6 of the CTNNA1 gene, results from an A to G substitution at nucleotide position 1061. The asparagine at codon 354 is replaced by serine, an amino acid with highly similar properties. This amino acid position is conserved. In addition, this alteration is predicted to be tolerated by in silico analysis. Since supporting evidence is limited at this time, the clinical significance of this alteration remains unclear.

Labcorp Genetics (formerly Invitae), Labcorp
Classification: Uncertain significance. Last evaluated: 2024-02-24. Review status: criteria provided, single submitter. Criteria: Invitae Variant Classification Sherloc (09022015). Collection method: clinical testing. Allele origin: germline.
Comment: This sequence change replaces asparagine, which is neutral and polar, with serine, which is neutral and polar, at codon 354 of the CTNNA1 protein (p.Asn354Ser). This variant is present in population databases (rs777714654, gnomAD 0.003%). This variant has not been reported in the literature in individuals affected with CTNNA1-related conditions. ClinVar contains an entry for this variant (Variation ID: 848164). An algorithm developed to predict the effect of missense changes on protein structure and function (PolyPhen-2) suggests that this variant is likely to be tolerated. In summary, the available evidence is currently insufficient to determine the role of this variant in disease. Therefore, it has been classified as a Variant of Uncertain Significance.

Blueprint Genetics
Classification: Uncertain significance. Last evaluated: 2022-05-26. Review status: criteria provided, single submitter. Criteria: ACMG Guidelines, 2015. Collection method: clinical testing. Allele origin: germline.

NM_001903.5(CTNNA1):c.1061A>G (p.Asn354Ser)

Gene: CTNNA1 (catenin alpha 1; plus strand). Cytogenetic location: 5q31.2.
Variant type: single nucleotide variant.
Coding change: c.1061A>G on transcript NM_001903.5 (MANE Select); coding-DNA position 1061, A replaced by G.
Protein change: p.Asn354Ser; replaces asparagine 354 with serine.
Molecular consequence: missense variant.
Genome position (GRCh38, 1-based): chr5:138,827,717, A>G. VCF-style: chr5-138827717-A-G. GRCh37 (hg19) VCF-style: chr5-138163406-A-G.
Other names: c.1061A>G, p.Asn354Ser (NM_001290307.3, NM_001323982.2, NM_001323983.1 and 3 more transcripts); c.752A>G, p.Asn251Ser (NM_001290309.3); c.692A>G, p.Asn231Ser (NM_001290310.3); short protein forms N231S, N251S, N354S.
Identifiers: ClinVar variation 848164 (VCV000848164.14), dbSNP rs777714654, ClinGen allele CA3431610.
Genomic context (GRCh38, chr5:138,827,717, plus strand): 5'-TGGCAGAGTGTAATGCTGTCCGCCAGGCCCTGCAGGACCTGCTTTCGGAGTACATGGGCA[A>G]TGTGAGTTTGACAGCTTTTCTTTGAAGTAAGATATTTATGGATGAGGAGTTTTCTATAAC-3'
Protein context (NP_001894.2, residues 344-364): LQDLLSEYMG[Asn354Ser]AGRKERSDAL